The following is an entry in ClinVar:

ClinVar aggregate classification (germline): Uncertain significance (1 of 4 stars; one submission).

Submission:

Women's Health and Genetics/Laboratory Corporation of America, LabCorp
Classification: Uncertain significance. Last evaluated: 2022-03-15. Review status: criteria provided, single submitter. Criteria: LabCorp Variant Classification Summary - May 2015. Collection method: clinical testing. Allele origin: germline.
Comment: Variant summary: TThe variant identified by MLPA or other technology involves the duplication of exons 1-7 in the ACSF3 gene. A presumed nomenclature of c.(?_-378)_(1239+1_1240-1)dup has been designated for the purposes of this classification. It has been assumed that this is a tandem duplication in direct orientation (Richardson_GIM_2018, Newman_AJHG_2015). The variant was absent in 21438 control chromosomes (gnomAD database, Structural Variants dataset). The available data on variant occurrences in the general population are insufficient to allow any conclusion about variant significance. To our knowledge, no occurrence of c.(?_-378)_(1239+1_1240-1)dup in individuals affected with Combined Malonic And Methylmalonic Aciduria and no experimental evidence demonstrating its impact on protein function have been reported. No clinical diagnostic laboratories have submitted clinical-significance assessments for this variant to ClinVar after 2014. Based on the evidence outlined above, the variant was classified as uncertain significance.

NC_000016.9:g.(?_89160216)_(89187322_89199543)dup

Gene: ACSF3 (acyl-CoA synthetase family member 3; plus strand). Cytogenetic location: 16q24.3.
Variant type: Duplication.
Identifiers: ClinVar variation 1677116 (VCV001677116.1).